The following is an entry in ClinVar:

NM_001004334.4(GPR179):c.6130G>C (p.Glu2044Gln)

Gene: GPR179 (G protein-coupled receptor 179; minus strand). Cytogenetic location: 17q12.
Variant type: single nucleotide variant.
Coding change: c.6130G>C on transcript NM_001004334.4 (MANE Select); coding-DNA position 6130, G replaced by C.
Protein change: p.Glu2044Gln; replaces glutamic acid 2044 with glutamine.
Molecular consequence: missense variant.
Genome position (GRCh38, 1-based): chr17:38,327,439, C>G on the plus strand (G>C on the coding strand, the complement: GPR179 is on the minus strand). VCF-style: chr17-38327439-C-G. GRCh37 (hg19) VCF-style: chr17-36483322-C-G.
Other names: short protein forms E2044Q.
Identifiers: ClinVar variation 1520733 (VCV001520733.8), dbSNP rs780905154, ClinGen allele CA290103092.

ClinVar aggregate classification (germline): Uncertain significance (1 of 4 stars; one submission).

Submission:

Labcorp Genetics (formerly Invitae), Labcorp
Classification: Uncertain significance. Last evaluated: 2024-11-18. Review status: criteria provided, single submitter. Criteria: Invitae Variant Classification Sherloc (09022015). Collection method: clinical testing. Allele origin: germline.
Comment: This sequence change replaces glutamic acid, which is acidic and polar, with glutamine, which is neutral and polar, at codon 2044 of the GPR179 protein (p.Glu2044Gln). This variant is present in population databases (no rsID available, gnomAD 0.01%). This variant has not been reported in the literature in individuals affected with GPR179-related conditions. ClinVar contains an entry for this variant (Variation ID: 1520733). An algorithm developed to predict the effect of missense changes on protein structure and function (PolyPhen-2) suggests that this variant is likely to be disruptive. In summary, the available evidence is currently insufficient to determine the role of this variant in disease. Therefore, it has been classified as a Variant of Uncertain Significance.